The following is an entry in ClinVar:

NM_001379451.1(BCORL1):c.3017T>C (p.Met1006Thr)

Gene: BCORL1 (BCL6 corepressor like 1; plus strand). Cytogenetic location: Xq26.1.
Variant type: single nucleotide variant.
Coding change: c.3017T>C on transcript NM_001379451.1 (MANE Select); coding-DNA position 3017, T replaced by C.
Protein change: p.Met1006Thr; replaces methionine 1006 with threonine.
Molecular consequence: missense variant.
Genome position (GRCh38, 1-based): chrX:130,015,789, T>C. VCF-style: chrX-130015789-T-C. GRCh37 (hg19) VCF-style: chrX-129149765-T-C.
Other names: c.3017T>C, p.Met1006Thr (NM_001184772.3, NM_001379450.1, NM_021946.5); short protein forms M1006T.
Identifiers: ClinVar variation 2412879 (VCV002412879.4), dbSNP rs777175407, ClinGen allele CA10514435.

ClinVar aggregate classification (germline): Uncertain significance (1 of 4 stars; one submission).

Allele frequency attached by ClinVar (database versions not stated): ExAC 0.00001.

Submission:

GeneDx
Classification: Uncertain significance. Last evaluated: 2026-03-20. Review status: criteria provided, single submitter. Criteria: GeneDx Variant Classification Process June 2021. Collection method: clinical testing. Allele origin: germline.
Comment: Not observed at significant frequency in large population cohorts (gnomAD); In silico analysis suggests that this missense variant does not alter protein structure/function; Has not been previously published as pathogenic or benign to our knowledge